The following is an entry in ClinVar:

ClinVar aggregate classification (germline): Uncertain significance (1 of 4 stars; one submission).

Conditions:
Ehlers-Danlos syndrome, classic type, 1 (EDSCL1). Also called: EDS I; EHLERS-DANLOS SYNDROME, GRAVIS TYPE; EHLERS-DANLOS SYNDROME, SEVERE CLASSIC TYPE; Ehlers-Danlos syndrome, type 1; Ehlers-Danlos Syndrome, Classic Type, COL5A1-Related. Identifiers: MedGen C0268335, MONDO:0019567, OMIM 130000.

Allele frequency attached by ClinVar (database versions not stated): gnomAD exomes below 0.00001.

Submission:

Labcorp Genetics (formerly Invitae), Labcorp
Classification: Uncertain significance for Ehlers-Danlos syndrome, classic type, 1. Last evaluated: 2023-03-16. Review status: criteria provided, single submitter. Criteria: Invitae Variant Classification Sherloc (09022015). Collection method: clinical testing. Allele origin: germline.
Comment: In summary, the available evidence is currently insufficient to determine the role of this variant in disease. Therefore, it has been classified as a Variant of Uncertain Significance. Variants that disrupt the consensus splice site are a relatively common cause of aberrant splicing (PMID: 17576681, 9536098). Algorithms developed to predict the effect of sequence changes on RNA splicing suggest that this variant is not likely to affect RNA splicing. This variant has not been reported in the literature in individuals affected with COL5A1-related conditions. This variant is present in population databases (no rsID available, gnomAD 0.003%). This sequence change falls in intron 17 of the COL5A1 gene. It does not directly change the encoded amino acid sequence of the COL5A1 protein. It affects a nucleotide within the consensus splice site.

Literature cited by the submitters: PubMed 17576681; PubMed 9536098.

NM_000093.5(COL5A1):c.1881+3A>G

Gene: COL5A1 (collagen type V alpha 1 chain; plus strand). Cytogenetic location: 9q34.3.
Variant type: single nucleotide variant.
Coding change: c.1881+3A>G on transcript NM_000093.5 (MANE Select); 3 bases into the intron after coding-DNA position 1881, A replaced by G.
Molecular consequence: intron variant.
Genome position (GRCh38, 1-based): chr9:134,756,821, A>G. VCF-style: chr9-134756821-A-G. GRCh37 (hg19) VCF-style: chr9-137648667-A-G.
Other names: c.1881+3A>G (NM_001278074.1).
Identifiers: ClinVar variation 2908075 (VCV002908075.3), dbSNP rs1231115313, ClinGen allele CA591107534.